The following is an entry in ClinVar:

NM_018344.6(SLC29A3):c.714_715inv (p.Val239Ile)

Gene: SLC29A3 (solute carrier family 29 member 3; plus strand). Cytogenetic location: 10q22.1.
Variant type: Inversion.
Coding change: c.714_715inv on transcript NM_018344.6 (MANE Select).
Protein change: p.Val239Ile; replaces valine 239 with isoleucine.
Molecular consequence: missense variant. On other transcripts: non-coding transcript variant (2).
Genome position: GRCh38 VCF-style: chr10-71356184-TG-CA. GRCh37 (hg19) VCF-style: chr10-73115941-TG-CA.
Other names: c.714_715inv (NM_018344.5); c.714_715delinsCA (NM_018344.5, NM_018344.6); c.714_715inv, p.Val239Ile (NM_001174098.2); c.480_481inv, p.Val161Ile (NM_001363518.2); c.714_715delTGinsCA (NM_001174098.1); short protein forms V161I, V239I.
Identifiers: ClinVar variation 300363 (VCV000300363.21), ClinGen allele CA10635649.

ClinVar aggregate classification (germline): Benign. Review status: criteria provided, multiple submitters, no conflicts (2 of 4 stars). 4 submissions from 4 submitters: Benign (4). Last evaluated 2026-02-04.

Conditions:
H syndrome. Also called: Pigmented hypertrichosis and insulin-dependent diabetes mellitus; HISTIOCYTOSIS AND LYMPHADENOPATHY WITH OR WITHOUT CUTANEOUS, CARDIAC, AND/OR ENDOCRINE FEATURES, JOINT CONTRACTURES, AND/OR DEAFNESS; HYPERPIGMENTATION, CUTANEOUS, WITH HYPERTRICHOSIS, HEPATOSPLENOMEGALY, HEART ANOMALIES, AND HYPOGONADISM WITH OR WITHOUT HEARING LOSS; PIGMENTED HYPERTRICHOSIS WITH INSULIN-DEPENDENT DIABETES MELLITUS; ROSAI-DORFMAN DISEASE, FAMILIAL; SINUS HISTIOCYTOSIS AND MASSIVE LYMPHADENOPATHY. Identifiers: Orphanet 168569, MedGen C1864445, MONDO:0011273, OMIM 602782.

Submissions (4):

Labcorp Genetics (formerly Invitae), Labcorp
Classification: Benign for H syndrome. Last evaluated: 2026-02-04. Review status: criteria provided, single submitter. Criteria: Invitae Variant Classification Sherloc (09022015). Collection method: clinical testing. Allele origin: germline.

Women's Health and Genetics/Laboratory Corporation of America, LabCorp
Classification: Benign. Last evaluated: 2026-01-22. Review status: criteria provided, single submitter. Criteria: LabCorp Variant Classification Summary - May 2015. Collection method: clinical testing. Allele origin: germline.
Comment: Variant summary: SLC29A3 c.714_715delinsCA (p.Val239Ile) results in a conservative amino acid change in the encoded protein sequence. Algorithms developed to predict the effect of missense changes on protein structure and function are either unavailable or do not agree on the potential impact of this missense change. The variant allele was found at a frequency of 0.82 in 282522 control chromosomes, suggesting that it is the major allele and therefore benign. The observed variant frequency exceeds the estimated maximal expected allele frequency for disease-causing variants in SLC29A3. To our knowledge, no occurrence of c.714_715delinsCA in individuals affected with SLC29A3-related conditions and no experimental evidence demonstrating its impact on protein function have been reported. ClinVar contains an entry for this variant (Variation ID: 300363). Based on the evidence outlined above, the variant was classified as benign.

Unidad de Genómica Garrahan, Hospital de Pediatría Garrahan
Classification: Benign. Last evaluated: 2023-11-12. Review status: criteria provided, single submitter. Criteria: ACMG Guidelines, 2015. Collection method: clinical testing. Allele origin: germline. Affected: no. Observed: 90 variant alleles.
Comment: This variant is classified as Benign based on local population frequency. This variant was detected in 94% of patients studied by a panel of primary immunodeficiencies. Number of patients: 90. Only high quality variants are reported.

Pathology and Clinical Laboratory Medicine, King Fahad Medical City
Classification: Benign. Review status: criteria provided, single submitter. Criteria: ACMG Guidelines, 2015. Collection method: clinical testing. Allele origin: germline. Affected: no. Observed: 946 variant alleles.